The following is an entry in ClinVar:

NM_000548.5(TSC2):c.4595A>G (p.Gln1532Arg)

Gene: TSC2 (TSC complex subunit 2; plus strand). Cytogenetic location: 16p13.3.
Variant type: single nucleotide variant.
Coding change: c.4595A>G on transcript NM_000548.5 (MANE Select); coding-DNA position 4595, A replaced by G.
Protein change: p.Gln1532Arg; replaces glutamine 1532 with arginine.
Molecular consequence: missense variant. On other transcripts: non-coding transcript variant (5).
Genome position (GRCh38, 1-based): chr16:2,085,255, A>G. VCF-style: chr16-2085255-A-G. GRCh37 (hg19) VCF-style: chr16-2135256-A-G.
Other names: c.4394A>G, p.Gln1465Arg (NM_001077183.3); c.4526A>G, p.Gln1509Arg (NM_001114382.3); c.4286A>G, p.Gln1429Arg (NM_001318827.2); c.4250A>G, p.Gln1417Arg (NM_001318829.2); c.3863A>G, p.Gln1288Arg (NM_001318831.2); c.4427A>G, p.Gln1476Arg (NM_001318832.2); c.4397A>G, p.Gln1466Arg (NM_001363528.2); c.4463A>G, p.Gln1488Arg (NM_001370404.1); and 26 more; short protein forms Q1459R, Q1462R, Q1495R, Q1496R, Q1508R, Q1509R, Q1532R, Q1017R.
Identifiers: ClinVar variation 5031296 (VCV005031296.1).

ClinVar aggregate classification (germline): Uncertain significance (1 of 4 stars; one submission).

Conditions:
Hereditary cancer-predisposing syndrome. Also called: Neoplastic Syndromes, Hereditary; Tumor predisposition; Hereditary neoplastic syndrome; Hereditary Cancer Syndrome. Identifiers: Orphanet 140162, MedGen C0027672, MeSH D009386, MONDO:0015356.

gnomAD v4.1: 1 of 1,612,618 alleles (0.000062%); highest among the groups gnomAD compares: African/African-American, 0.0013%; no homozygotes.

Submission:

Ambry Genetics
Classification: Uncertain significance for Hereditary cancer-predisposing syndrome. Last evaluated: 2026-07-08. Review status: criteria provided, single submitter. Criteria: Ambry Variant Classification Scheme 2023. Collection method: clinical testing. Allele origin: germline.
Comment: The p.Q1532R variant (also known as c.4595A>G), located in coding exon 35 of the TSC2 gene, results from an A to G substitution at nucleotide position 4595. The glutamine at codon 1532 is replaced by arginine, an amino acid with highly similar properties. This amino acid position is conserved. In addition, the in silico prediction for this alteration is inconclusive. Based on the available evidence, the clinical significance of this variant remains unclear.